The following is an entry in ClinVar:

NM_000384.3(APOB):c.3150A>G (p.Thr1050=)

Gene: APOB (apolipoprotein B; minus strand). Cytogenetic location: 2p24.1.
Variant type: single nucleotide variant.
Coding change: c.3150A>G on transcript NM_000384.3 (MANE Select); coding-DNA position 3150, A replaced by G.
Protein change: p.Thr1050=; no amino-acid change (threonine 1050 retained).
Molecular consequence: synonymous variant.
Genome position (GRCh38, 1-based): chr2:21,016,621, T>C on the plus strand (A>G on the coding strand, the complement: APOB is on the minus strand). VCF-style: chr2-21016621-T-C. GRCh37 (hg19) VCF-style: chr2-21239493-T-C.
Identifiers: ClinVar variation 544118 (VCV000544118.24), dbSNP rs72653072, ClinGen allele CA058136.

ClinVar aggregate classification (germline): Benign/Likely benign. Review status: criteria provided, multiple submitters, no conflicts (2 of 4 stars). 7 submissions from 7 submitters: Benign (3); Likely benign (3). 1 of the submissions does not count toward it. Last evaluated 2026-02-03.

Conditions:
Familial hypobetalipoproteinemia 1. Also called: Hypobetalipoproteinemia, normotriglyceridemic; Acanthocytosis with hypobetalipoproteinemia; APOB-Related Familial Hypobetalipoproteinemia. Identifiers: MedGen C4551990, MONDO:0014252, OMIM 615558.
Hypercholesterolemia, autosomal dominant, type B (FHCL2). Also called: Familial Hypercholesterolemia Type B; APOLIPOPROTEIN B-100, FAMILIAL DEFECTIVE; APOLIPOPROTEIN B-100, FAMILIAL LIGAND-DEFECTIVE; Familial hypercholesterolemia 2; Hyperlipoproteinemia Type IIb; APOB-Related Familial Hypercholesterolemia, Autosomal Dominant. Identifiers: MedGen C1704417, MONDO:0007751, OMIM 144010.
APOB-related disorder. Also called: APOB-related condition; APOB-related disorders.
Cardiovascular phenotype. Identifiers: MedGen CN230736.
Familial hypercholesterolemia. Also called: Familial hypercholesterolemias; Familial hypercholesterolaemia. Identifiers: MedGen C0020445, MONDO:0005439.

Allele frequency attached by ClinVar (database versions not stated): gnomAD exomes 0.00021 and 0.00059; ExAC 0.00070; ESP Exome Variant Server 0.00169; gnomAD 0.00218 and 0.00231; TOPMed 0.00243; 1000 Genomes Project 0.00300; 1000 Genomes Project 30x 0.00328.
gnomAD v4.1: 629 of 1,611,030 alleles (0.039%); highest among the groups gnomAD compares: African/African-American, 0.75%; 1 homozygote.

Submissions (7):

Labcorp Genetics (formerly Invitae), Labcorp
Classification: Benign for Familial hypobetalipoproteinemia 1; Hypercholesterolemia, autosomal dominant, type B. Last evaluated: 2026-02-03. Review status: criteria provided, single submitter. Criteria: Invitae Variant Classification Sherloc (09022015). Collection method: clinical testing. Allele origin: germline.

Molecular Diagnostic Laboratory for Inherited Cardiovascular Disease, Montreal Heart Institute
Classification: Benign. Last evaluated: 2025-04-09. Review status: criteria provided, single submitter. Criteria: ACMG Guidelines, 2015. Collection method: clinical testing. Allele origin: germline. Affected: no.
Comment: BS1;BP6;BP7

Blueprint Genetics
Classification: Likely benign. Last evaluated: 2024-11-26. Review status: criteria provided, single submitter. Criteria: ACMG Guidelines, 2015. Collection method: clinical testing. Allele origin: germline.

ARUP Laboratories, Molecular Genetics and Genomics, ARUP Laboratories
Classification: Likely benign. Last evaluated: 2024-04-24. Review status: criteria provided, single submitter. Criteria: ARUP Molecular Germline Variant Investigation Process 2024. Collection method: clinical testing. Allele origin: germline.

GENinCode PLC
Classification: Benign for Familial hypercholesterolemia. Last evaluated: 2022-06-21. Review status: criteria provided, single submitter. Criteria: ACMG Guidelines, 2015. Collection method: clinical testing. Allele origin: germline.

Ambry Genetics
Classification: Likely benign for Cardiovascular phenotype. Last evaluated: 2016-12-02. Review status: criteria provided, single submitter. Criteria: Ambry Variant Classification Scheme 2023. Collection method: clinical testing. Allele origin: germline.

PreventionGenetics, part of Exact Sciences
Classification: Likely benign for APOB-related condition. Last evaluated: 2020-02-19. Review status: no assertion criteria provided. Collection method: clinical testing. Allele origin: germline. Not counted in ClinVar's aggregate classification.
Comment: This variant is classified as likely benign based on ACMG/AMP sequence variant interpretation guidelines (Richards et al. 2015 PMID: 25741868, with internal and published modifications).